The following is an entry in ClinVar:

ClinVar aggregate classification (germline): Uncertain significance (1 of 4 stars; one submission).

Allele frequency attached by ClinVar (database versions not stated): gnomAD exomes 0.00001; ExAC 0.00002; TOPMed 0.00003; gnomAD 0.00006; ESP Exome Variant Server 0.00008.
gnomAD v4.1: 14 of 1,613,534 alleles (0.00087%); highest among the groups gnomAD compares: African/African-American, 0.017%; no homozygotes.

Submission:

Labcorp Genetics (formerly Invitae), Labcorp
Classification: Uncertain significance. Last evaluated: 2022-02-25. Review status: criteria provided, single submitter. Criteria: Invitae Variant Classification Sherloc (09022015). Collection method: clinical testing. Allele origin: germline.
Comment: This sequence change replaces serine, which is neutral and polar, with glycine, which is neutral and non-polar, at codon 615 of the RTTN protein (p.Ser615Gly). This variant is present in population databases (rs374812367, gnomAD 0.02%). This variant has not been reported in the literature in individuals affected with RTTN-related conditions. Algorithms developed to predict the effect of missense changes on protein structure and function output the following: SIFT: "Tolerated"; PolyPhen-2: "Benign"; Align-GVGD: "Class C0". The glycine amino acid residue is found in multiple mammalian species, which suggests that this missense change does not adversely affect protein function. In summary, the available evidence is currently insufficient to determine the role of this variant in disease. Therefore, it has been classified as a Variant of Uncertain Significance.

NM_173630.4(RTTN):c.1843A>G (p.Ser615Gly)

Gene: RTTN (rotatin; minus strand). Cytogenetic location: 18q22.2.
Variant type: single nucleotide variant.
Coding change: c.1843A>G on transcript NM_173630.4 (MANE Select); coding-DNA position 1843, A replaced by G.
Protein change: p.Ser615Gly; replaces serine 615 with glycine.
Molecular consequence: missense variant. On other transcripts: 5 prime UTR variant (1).
Genome position (GRCh38, 1-based): chr18:70,166,148, T>C on the plus strand (A>G on the coding strand, the complement: RTTN is on the minus strand). VCF-style: chr18-70166148-T-C. GRCh37 (hg19) VCF-style: chr18-67833384-T-C.
Other names: c.-805A>G (NM_001318520.2); short protein forms S615G.
Identifiers: ClinVar variation 2172163 (VCV002172163.1), dbSNP rs374812367, ClinGen allele CA8996067.